The following is an entry in ClinVar:

ClinVar aggregate classification (germline): Likely benign (1 of 4 stars; one submission).

Conditions:
GLUD1-related disorder. Also called: GLUD1-related condition.

Submission:

PreventionGenetics, part of Exact Sciences
Classification: Likely benign for GLUD1-related condition. Last evaluated: 2026-06-25. Review status: criteria provided, single submitter. Criteria: ACMG Guidelines, 2015. Collection method: clinical testing. Allele origin: germline.
Comment: This variant is classified as likely benign based on ACMG/AMP sequence variant interpretation guidelines (Richards et al. 2015 PMID: 25741868, with internal and published modifications).

NM_005271.5(GLUD1):c.222C>T (p.Phe74=)

Genes: GLUD1 (glutamate dehydrogenase 1; minus strand), SHLD2 (shieldin complex subunit 2; plus strand). Cytogenetic location: 10q23.2.
Variant type: single nucleotide variant.
Coding change: c.222C>T on transcript NM_005271.5 (MANE Select); coding-DNA position 222, C replaced by T.
Protein change: p.Phe74=; no amino-acid change (phenylalanine 74 retained).
Molecular consequence: synonymous variant. On other transcripts: 5 prime UTR variant (3).
Genome position (GRCh38, 1-based): chr10:87,094,548, G>A on the plus strand (C>T on the coding strand, the complement: GLUD1 is on the minus strand). VCF-style: chr10-87094548-G-A. GRCh37 (hg19) VCF-style: chr10-88854305-G-A.
Other names: c.-507C>T (NM_001318904.2); c.-633C>T (NM_001318905.2); c.-340C>T (NM_001318906.2).
Identifiers: ClinVar variation 4984790 (VCV004984790.1).